The following is an entry in ClinVar:

NM_144596.4(TTC8):c.1276AAC[3] (p.Asn429del)

Gene: TTC8 (tetratricopeptide repeat domain 8; plus strand). Cytogenetic location: 14q31.3.
Variant type: Microsatellite.
Coding change: c.1276AAC[3] on transcript NM_144596.4 (MANE Select); three copies in a row of the 3-base unit AAC starting at c.1276; the reference has four copies in a row; one copy, 3 bases deleted.
Protein change: p.Asn429del; deletes asparagine 429.
Molecular consequence: inframe deletion. On other transcripts: non-coding transcript variant (1).
Genome position (GRCh38, 1-based): chr14:88,872,390-88,872,392, AAC deleted; deleting any 3 consecutive bases within chr14:88,872,380-88,872,392 gives the same sequence; the position shown is the placement nearest the transcript's 3' end. VCF-style (leftmost placement, unchanged base first): chr14-88872379-TCAA-T. GRCh37 (hg19) VCF-style: chr14-89338723-TCAA-T.
Other names: c.1324AAC[3], p.Asn445del (NM_001288781.1); c.682AAC[3], p.Asn231del (NM_001288782.1); c.559AAC[3], p.Asn190del (NM_001288783.1); c.1246AAC[3], p.Asn419del (NM_001366535.2, NM_198309.3); c.1156AAC[3], p.Asn389del (NM_001366536.2, NM_198310.3); short protein forms N389del, N445del, N190del, N231del, N419del, N429del.
Identifiers: ClinVar variation 1492771 (VCV001492771.8), dbSNP rs750442302, ClinGen allele CA7302700.
Genomic context (GRCh38, chr14:88,872,379, plus strand): 5'-TTCTTTTGTAGGGAATAGGAGATACAAATTTGGCCCATCAGTGCTTCAGGCTGGCTCTGG[TCAA>T]CAACAACAACCACGCCGAGGCCTACAACAACCTGGCTGTGCTGGAGATGCGGAAGGGCCA-3'

ClinVar aggregate classification (germline): Uncertain significance (1 of 4 stars; one submission).

Conditions:
Bardet-Biedl syndrome (BBS). Identifiers: Orphanet 110, MedGen C0752166, MONDO:0015229.

Submission:

Labcorp Genetics (formerly Invitae), Labcorp
Classification: Uncertain significance for Bardet-Biedl syndrome. Last evaluated: 2022-09-27. Review status: criteria provided, single submitter. Criteria: Invitae Variant Classification Sherloc (09022015). Collection method: clinical testing. Allele origin: germline.
Comment: This variant has not been reported in the literature in individuals affected with TTC8-related conditions. This variant, c.1255_1257del, results in the deletion of 1 amino acid(s) of the TTC8 protein (p.Asn419del), but otherwise preserves the integrity of the reading frame. The frequency data for this variant in the population databases is considered unreliable, as metrics indicate poor data quality at this position in the gnomAD database. Experimental studies and prediction algorithms are not available or were not evaluated, and the functional significance of this variant is currently unknown. In summary, the available evidence is currently insufficient to determine the role of this variant in disease. Therefore, it has been classified as a Variant of Uncertain Significance.